The following is an entry in ClinVar:

ClinVar aggregate classification (germline): Uncertain significance. Review status: criteria provided, multiple submitters, no conflicts (2 of 4 stars). 2 submissions from 2 submitters: Uncertain significance (2). Last evaluated 2022-02-23.

Conditions:
Intellectual developmental disorder, autosomal dominant 52. Also called: Intellectual disability, autosomal dominant 52; Mental retardation, autosomal dominant 52. Identifiers: MedGen C4540478, MONDO:0030918, OMIM 617796.

gnomAD v4.1: 2 of 1,614,078 alleles (0.00012%); highest among the groups gnomAD compares: Non-Finnish European, 0.00017%; no homozygotes.

Submissions (2):

Blueprint Genetics
Classification: Uncertain significance. Last evaluated: 2022-02-23. Review status: criteria provided, single submitter. Criteria: ACMG Guidelines, 2015. Collection method: clinical testing. Allele origin: germline.

New York Genome Center
Classification: Uncertain significance for Intellectual developmental disorder, autosomal dominant 52. Last evaluated: 2020-05-12. Review status: criteria provided, single submitter. Criteria: NYGC Assertion Criteria 2020. Collection method: clinical testing. Allele origin: germline. Observed: 1 heterozygote. Study: CSER-NYCKidSeq.
Comment: The c.6911C>T (p.Ser2304Phe) variant identified in the ASH1L gene substitutes a moderately conserved Serine for Phenylalanine at amino acid 2304/2965 (coding exon 14/28). This variant is absent from gnomAD suggesting it is not a common benign variant in the populations represented in that database. In silico algorithms do not agree on the effect of this variant, as it is predicted both Neutral (Provean; score:-2.47) and Damaging (SIFT; score: 0.019) to the function of the canonical transcript. This variant is absent from ClinVar and to our current knowledge has not been reported in affected individuals in the literature. The p.Ser2304 residue is not within a mapped domain of ASH1L (UniProtKB:Q9NR48). Given the lack of compelling evidence for its pathogenicity, the c.6911C>T (p.Ser2304Phe) variant identified in the ASH1L gene is reported here as a Variant of Uncertain Significance.

NM_018489.3(ASH1L):c.6911C>T (p.Ser2304Phe)

Gene: ASH1L (ASH1 like histone lysine methyltransferase; minus strand). Cytogenetic location: 1q22.
Variant type: single nucleotide variant.
Coding change: c.6911C>T on transcript NM_018489.3 (MANE Select); coding-DNA position 6911, C replaced by T.
Protein change: p.Ser2304Phe; replaces serine 2304 with phenylalanine.
Molecular consequence: missense variant.
Genome position (GRCh38, 1-based): chr1:155,357,634, G>A on the plus strand (C>T on the coding strand, the complement: ASH1L is on the minus strand). VCF-style: chr1-155357634-G-A. GRCh37 (hg19) VCF-style: chr1-155327425-G-A.
Other names: c.6926C>T, p.Ser2309Phe (NM_001366177.2); short protein forms S2304F, S2309F.
Identifiers: ClinVar variation 1098650 (VCV001098650.2), dbSNP rs774024798, ClinGen allele CA342750149.